The following is an entry in ClinVar:

NM_007294.4(BRCA1):c.-2A>T

Gene: BRCA1 (BRCA1 DNA repair associated; minus strand). Cytogenetic location: 17q21.31.
Variant type: single nucleotide variant.
Coding change: c.-2A>T on transcript NM_007294.4 (MANE Select); 2 bases upstream of the start codon, A replaced by T.
Molecular consequence: 5 prime UTR variant. On other transcripts: intron variant (36).
Genome position (GRCh38, 1-based): chr17:43,124,098, T>A on the plus strand (A>T on the coding strand, the complement: BRCA1 is on the minus strand). VCF-style: chr17-43124098-T-A. GRCh37 (hg19) VCF-style: chr17-41276115-T-A.
Other names: 118A>T; c.-259A>T (NM_001407694.1, NM_001407724.1, NM_001407727.1 and 11 more transcripts); c.-263A>T (NM_001407695.1, NM_001408465.1); c.-404A>T (NM_001407696.1); c.-288A>T (NM_001407697.1, NM_001407846.1, NM_001407920.1); c.-89A>T (NM_001407698.1, NM_001407732.1, NM_001407736.1 and 23 more transcripts); c.-262A>T (NM_001407725.1, NM_001407730.1, NM_001407734.1 and 22 more transcripts); c.-208A>T (NM_001407726.1, NM_001407751.1); and 24 more.
Identifiers: ClinVar variation 125485 (VCV000125485.5), dbSNP rs273899693, ClinGen allele CA001953.

ClinVar aggregate classification (germline): Likely benign. Review status: criteria provided, single submitter (1 of 4 stars). 2 submissions from 2 submitters: Likely benign (1). 1 of the submissions does not count toward it. Last evaluated 2026-04-01.

Conditions:
Breast-ovarian cancer, familial, susceptibility to, 1 (BROVCA1). Also called: BRCA1 Hereditary Breast and Ovarian Cancer; OVARIAN CANCER, SUSCEPTIBILITY TO. Identifiers: Orphanet 145, MedGen C2676676, MONDO:0011450, OMIM 604370. Disease mechanism: loss of function.

Submissions (3):

Women's Health and Genetics/Laboratory Corporation of America, LabCorp
Classification: Likely benign. Last evaluated: 2026-04-01. Review status: criteria provided, single submitter. Criteria: LabCorp Variant Classification Summary - May 2015. Collection method: clinical testing. Allele origin: germline.
Comment: Variant summary: BRCA1 c.-2A>T is located in the untranslated mRNA region upstream of the initiation codon. The variant was absent in 250886 control chromosomes. The available data on variant occurrences in the general population are insufficient to allow any conclusion about variant significance. Although it has been reported in tumor tissue from two individuals affected with breast cancer (Wang_2007), to our knowledge, no occurrence of c.-2A>T confirmed in the germline of individuals affected with BRCA1-related conditions has been reported. At least two publications report experimental evidence evaluating an impact on protein function. One study found that the variant resulted in reduced protein expression compared to the wildtype sequence in a luciferase reporter assay while transcription efficiency and mRNA stability were unchanged, suggesting the variant may impair translation efficiency (Wang_2007). In contrast, a different study showed no damaging effect of this variant on homology directed repair activity using a a saturation genome editing assay approach (Findlay_2018). HDR assays qualify as a recognized gold standard on the basis of updated guidance provided by the ClinGen Sequence Variant Interpretation (SVI) working group. The following publications have been ascertained in the context of this evaluation (PMID: 30209399, 17697535). ClinVar contains an entry for this variant (Variation ID: 125485). Based on the evidence outlined above, the variant was classified as likely benign.

Breast Cancer Information Core (BIC) (BRCA1)
Classification: Uncertain significance for Breast-ovarian cancer, familial 1. Last evaluated: 2005-05-26. Review status: no assertion criteria provided. Collection method: clinical testing. Allele origin: somatic. Affected: yes. Observed: 2 variant alleles. Not counted in ClinVar's aggregate classification.

Brotman Baty Institute, University of Washington
No classification provided (evidence only). Condition: Breast-ovarian cancer, familial 1. Review status: no classification provided. Collection method: in vitro. Allele origin: not applicable. Functional consequence: functionally_normal. Not counted in ClinVar's aggregate classification.
ClinVar note: "not provided" was previously submitted as the classification for the variant. However, the classification appeared to be based only on an observation of functional data so it was converted to no classification on 2025-07-30.

Literature cited by the submitters: PubMed 30209399 (cited by Women's Health and Genetics/Laboratory Corporation of America, LabCorp); PubMed 17697535 (cited by Women's Health and Genetics/Laboratory Corporation of America, LabCorp).